The following is an entry in ClinVar:

NM_001069.3(TUBB2A):c.1249G>A (p.Asp417Asn)

Gene: TUBB2A (tubulin beta 2A class IIa; minus strand). Cytogenetic location: 6p25.2.
Variant type: single nucleotide variant.
Coding change: c.1249G>A on transcript NM_001069.3 (MANE Select); coding-DNA position 1249, G replaced by A.
Protein change: p.Asp417Asn; replaces aspartic acid 417 with asparagine.
Molecular consequence: missense variant.
Genome position (GRCh38, 1-based): chr6:3,153,952, C>T on the plus strand (G>A on the coding strand, the complement: TUBB2A is on the minus strand). VCF-style: chr6-3153952-C-T. GRCh37 (hg19) VCF-style: chr6-3154186-C-T.
Other names: c.994G>A, p.Asp332Asn (NM_001310315.2); c.1249G>A (NM_001069.2); short protein forms D332N, D417N.
Identifiers: ClinVar variation 2982258 (VCV002982258.4), dbSNP rs2533523463, ClinGen allele CA362590878.

ClinVar aggregate classification (germline): Pathogenic. Review status: criteria provided, multiple submitters, no conflicts (2 of 4 stars). 2 submissions from 2 submitters: Pathogenic (2). Last evaluated 2025-03-24.

Submissions (2):

GeneDx
Classification: Pathogenic. Last evaluated: 2025-03-24. Review status: criteria provided, single submitter. Criteria: GeneDx Variant Classification Process June 2021. Collection method: clinical testing. Allele origin: germline. Affected: yes.
Comment: Published functional studies demonstrate a damaging effect to TUBB2A protein function (PMID: 29547997); Not observed in large population cohorts (gnomAD); In silico analysis supports that this missense variant does not alter protein structure/function; This variant is associated with the following publications: (PMID: 33027950, 32033020, 32203252, 29547997)

Labcorp Genetics (formerly Invitae), Labcorp
Classification: Pathogenic. Last evaluated: 2023-04-15. Review status: criteria provided, single submitter. Criteria: Invitae Variant Classification Sherloc (09022015). Collection method: clinical testing. Allele origin: germline.
Comment: This sequence change replaces aspartic acid, which is acidic and polar, with asparagine, which is neutral and polar, at codon 417 of the TUBB2A protein (p.Asp417Asn). This variant is not present in population databases (gnomAD no frequency). This missense change has been observed in individual(s) with clinical features of tubulinopathy (PMID: 29547997). In at least one individual the variant was observed to be de novo. Advanced modeling of protein sequence and biophysical properties (such as structural, functional, and spatial information, amino acid conservation, physicochemical variation, residue mobility, and thermodynamic stability) performed at Invitae indicates that this missense variant is expected to disrupt TUBB2A protein function. Experimental studies have shown that this missense change affects TUBB2A function (PMID: 29547997). For these reasons, this variant has been classified as Pathogenic.

Literature cited by the submitters: PubMed 29547997 (cited by Labcorp Genetics (formerly Invitae), Labcorp).